The following is an entry in ClinVar:

ClinVar aggregate classification (germline): Uncertain significance (1 of 4 stars; one submission).

Conditions:
Sterile multifocal osteomyelitis with periostitis and pustulosis. Also called: CHRONIC RECURRENT MULTIFOCAL OSTEOMYELITIS 2, WITH PERIOSTITIS AND PUSTULOSIS. Identifiers: Orphanet 210115, MedGen C2748507, MONDO:0013021, OMIM 612852.

Allele frequency attached by ClinVar (database versions not stated): gnomAD exomes below 0.00001.

Submission:

Labcorp Genetics (formerly Invitae), Labcorp
Classification: Uncertain significance for Sterile multifocal osteomyelitis with periostitis and pustulosis. Last evaluated: 2020-05-13. Review status: criteria provided, single submitter. Criteria: Invitae Variant Classification Sherloc (09022015). Collection method: clinical testing. Allele origin: germline.
Comment: This variant has not been reported in the literature in individuals with IL1RN-related conditions. In summary, the available evidence is currently insufficient to determine the role of this variant in disease. Therefore, it has been classified as a Variant of Uncertain Significance. Experimental studies and prediction algorithms are not available or were not evaluated, and the functional significance of this variant is currently unknown. This variant is not present in population databases (ExAC no frequency). This sequence change results in a premature translational stop signal in the IL1RN gene (p.Thr114Asnfs*2). While this is not anticipated to result in nonsense mediated decay, it is expected to disrupt the last 67 amino acids of the IL1RN protein.

NM_173842.3(IL1RN):c.331dup (p.Thr111fs)

Gene: IL1RN (interleukin 1 receptor antagonist; plus strand). Cytogenetic location: 2q14.1.
Variant type: Duplication.
Coding change: c.331dup on transcript NM_173842.3 (MANE Select); coding-DNA position 331, one base duplicated (A; older notation c.331dupA).
Protein change: p.Thr111fs; shifts the reading frame from threonine 111.
Molecular consequence: frameshift variant.
Genome position (GRCh38, 1-based): chr2:113,132,668, A duplicated. VCF-style (leftmost placement, unchanged base first): chr2-113132667-C-CA. GRCh37 (hg19) VCF-style: chr2-113890244-C-CA.
Other names: c.277dup, p.Thr93fs (NM_000577.5); c.229dup, p.Thr77fs (NM_001318914.2, NM_001379360.1, NM_173843.3); c.340dup, p.Thr114fs (NM_173841.3); short protein forms T93fs, T77fs, T114fs, T111fs.
Identifiers: ClinVar variation 1039777 (VCV001039777.7), dbSNP rs1687213897, ClinGen allele CA1280073299.